The following is an entry in ClinVar:

ClinVar aggregate classification (germline): Pathogenic (1 of 4 stars; one submission).

Conditions:
Inborn genetic diseases. Identifiers: MedGen C0950123, MeSH D030342.

Submission:

Ambry Genetics
Classification: Pathogenic for Inborn genetic diseases. Last evaluated: 2022-09-27. Review status: criteria provided, single submitter. Criteria: Ambry Variant Classification Scheme 2023. Collection method: clinical testing. Allele origin: germline.
Comment: The c.2328dupA (p.V777Sfs*3) alteration, located in exon 7 (coding exon 6) of the CENPJ gene, consists of a duplication of A at position 2328, causing a translational frameshift with a predicted alternate stop codon after 3 amino acids. This alteration is expected to result in loss of function by premature protein truncation or nonsense-mediated mRNA decay. Based on data from gnomAD, the AA allele has an overall frequency of <0.001% (1/251430) total alleles studied. The highest observed frequency was 0.003% (1/30616) of South Asian alleles. Based on the available evidence, this alteration is classified as pathogenic.

NM_018451.5(CPAP):c.2328dup (p.Val777fs)

Gene: CPAP (centrosome assembly and centriole elongation protein; minus strand). Cytogenetic location: 13q12.13.
Variant type: Duplication.
Coding change: c.2328dup on transcript NM_018451.5 (MANE Select); coding-DNA position 2328, one base duplicated (A; older notation c.2328dupA).
Protein change: p.Val777fs; shifts the reading frame from valine 777.
Molecular consequence: frameshift variant. On other transcripts: non-coding transcript variant (2).
Genome position (GRCh38, 1-based): chr13:24,905,710, T duplicated on the plus strand (A on the coding strand, the reverse complement: CPAP is on the minus strand); the first of 3 consecutive T bases (chr13:24,905,710-24,905,712); duplicating any one gives the same sequence. VCF-style (leftmost placement, unchanged base first): chr13-24905709-C-CT. GRCh37 (hg19) VCF-style: chr13-25479847-C-CT.
Other names: short protein forms V777fs.
Identifiers: ClinVar variation 2308060 (VCV002308060.2), dbSNP rs771114416, ClinGen allele CA6919615.